The following is an entry in ClinVar:

NM_001110556.2(FLNA):c.7922C>A (p.Pro2641His)

Genes: FLNA (filamin A; minus strand), LOC107988032 (Xq28 proximal FLNA-EMD recombination region; plus strand). Cytogenetic location: Xq28.
Variant type: single nucleotide variant.
Coding change: c.7922C>A on transcript NM_001110556.2 (MANE Select); coding-DNA position 7922, C replaced by A.
Protein change: p.Pro2641His; replaces proline 2641 with histidine.
Molecular consequence: missense variant.
Genome position (GRCh38, 1-based): chrX:154,348,871, G>T on the plus strand (C>A on the coding strand, the complement: FLNA is on the minus strand). VCF-style: chrX-154348871-G-T. GRCh37 (hg19) VCF-style: chrX-153577239-G-T.
Other names: c.7898C>A, p.Pro2633His (NM_001456.4); short protein forms P2633H, P2641H.
Identifiers: ClinVar variation 3372671 (VCV003372671.2).
Genomic context (GRCh38, chrX:154,348,871, plus strand): 5'-GCAGGCTTGGGGGCTGCCGGCTGGCACGGGCCCCAGACTCAGGGCACCACAACGCGGTAG[G>T]GGCTGCCTGGGATGTGCTCGTCCCCCCATTTGACCACCAGTGTGTACTCCCCCTTGTCCT-3'
Protein context (NP_001104026.1, residues 2631-2647): KWGDEHIPGS[Pro2641His]YRVVVP

ClinVar aggregate classification (germline): Likely pathogenic (1 of 4 stars; one submission).

Submission:

GeneDx
Classification: Likely pathogenic. Last evaluated: 2026-10-09. Review status: criteria provided, single submitter. Criteria: GeneDx Variant Classification Process June 2021. Collection method: clinical testing. Allele origin: germline.
Comment: Not observed at significant frequency in large population cohorts (gnomAD); In silico analysis supports that this missense variant has a deleterious effect on protein structure/function; Has not been previously published as pathogenic or benign to our knowledge